The following is an entry in ClinVar:

NM_213607.3(DNAAF19):c.548T>A (p.Leu183Gln)

Gene: DNAAF19 (dynein axonemal assembly factor 19; plus strand). Cytogenetic location: 17q21.31.
Variant type: single nucleotide variant.
Coding change: c.548T>A on transcript NM_213607.3 (MANE Select); coding-DNA position 548, T replaced by A.
Protein change: p.Leu183Gln; replaces leucine 183 with glutamine.
Molecular consequence: missense variant. On other transcripts: 3 prime UTR variant (3).
Genome position (GRCh38, 1-based): chr17:44,902,636, T>A. VCF-style: chr17-44902636-T-A. GRCh37 (hg19) VCF-style: chr17-42980004-T-A.
Other names: c.548T>A, p.Leu183Gln (NM_001258395.2, NM_001258396.2); c.*298T>A (NM_001258397.3); c.*237T>A (NM_001258398.3, NM_001258399.2); short protein forms L183Q.
Identifiers: ClinVar variation 1747847 (VCV001747847.2), dbSNP rs2508901259, ClinGen allele CA399829640.

ClinVar aggregate classification (germline): Uncertain significance (1 of 4 stars; one submission).

Conditions:
Primary ciliary dyskinesia. Also called: Ciliary dyskinesia. Identifiers: Orphanet 244, MedGen C0008780, MONDO:0016575, HP:0012265.

Submission:

Ambry Genetics
Classification: Uncertain significance for Primary ciliary dyskinesia. Last evaluated: 2018-03-31. Review status: criteria provided, single submitter. Criteria: Ambry Variant Classification Scheme 2023. Collection method: clinical testing. Allele origin: germline.
Comment: The p.L183Q variant (also known as c.548T>A), located in coding exon 3 of the CCDC103 gene, results from a T to A substitution at nucleotide position 548. The leucine at codon 183 is replaced by glutamine, an amino acid with dissimilar properties. This amino acid position is not well conserved in available vertebrate species. In addition, this alteration is predicted to be deleterious by in silico analysis. Since supporting evidence is limited at this time, the clinical significance of this alteration remains unclear.